The following is an entry in ClinVar:

NM_004456.5(EZH2):c.722A>C (p.Lys241Thr)

Gene: EZH2 (enhancer of zeste 2 polycomb repressive complex 2 subunit; minus strand). Cytogenetic location: 7q36.1.
Variant type: single nucleotide variant.
Coding change: c.722A>C on transcript NM_004456.5 (MANE Select); coding-DNA position 722, A replaced by C.
Protein change: p.Lys241Thr; replaces lysine 241 with threonine.
Molecular consequence: missense variant.
Genome position (GRCh38, 1-based): chr7:148,827,170, T>G on the plus strand (A>C on the coding strand, the complement: EZH2 is on the minus strand). VCF-style: chr7-148827170-T-G. GRCh37 (hg19) VCF-style: chr7-148524262-T-G.
Other names: c.722A>C, p.Lys241Thr (NM_001203247.2); c.695A>C, p.Lys232Thr (NM_001203248.2, NM_001203249.2); c.605A>C, p.Lys202Thr (NM_152998.3); short protein forms K202T, K232T, K241T.
Identifiers: ClinVar variation 2579801 (VCV002579801.2), dbSNP rs2537070759, ClinGen allele CA369719536.
Genomic context (GRCh38, chr7:148,827,170, plus strand): 5'-TGGTGAGTTACATACCATACAGGGCAAGATTGCCTCAAAGGAACAAATTCTTACTTTTCC[T>G]TTAGTTCTTCTGCTGTGCCCTTATCTGGAAACATTGAGGAAATGGCTTCAAAAATTTTAT-3'
Protein context (NP_004447.2, residues 231-251): FPDKGTAEEL[Lys241Thr]EKYKELTEQQ

ClinVar aggregate classification (germline): Uncertain significance (1 of 4 stars; one submission).

Submission:

GeneDx
Classification: Uncertain significance. Last evaluated: 2026-10-19. Review status: criteria provided, single submitter. Criteria: GeneDx Variant Classification Process June 2021. Collection method: clinical testing. Allele origin: germline.
Comment: Not observed at significant frequency in large population cohorts (gnomAD); In silico analysis supports that this missense variant has a deleterious effect on protein structure/function; Has not been previously published as pathogenic or benign to our knowledge